The following is an entry in ClinVar:

NM_005529.7(HSPG2):c.11608_11609dup (p.Cys3871fs)

Gene: HSPG2 (heparan sulfate proteoglycan 2; minus strand). Cytogenetic location: 1p36.12.
Variant type: Duplication.
Coding change: c.11608_11609dup on transcript NM_005529.7 (MANE Select); coding-DNA positions 11608 to 11609, 2 bases duplicated (GT; older notation c.11608_11609dupGT).
Protein change: p.Cys3871fs; shifts the reading frame from cysteine 3871.
Molecular consequence: frameshift variant.
Genome position (GRCh38, 1-based): chr1:21,831,044-21,831,045, AC duplicated on the plus strand (GT on the coding strand, the reverse complement: HSPG2 is on the minus strand). VCF-style (leftmost placement, unchanged base first): chr1-21831043-G-GAC. GRCh37 (hg19) VCF-style: chr1-22157536-G-GAC.
Other names: c.11611_11612dup, p.Cys3872fs (NM_001291860.2); short protein forms C3871fs, C3872fs.
Identifiers: ClinVar variation 4874960 (VCV004874960.2).

ClinVar aggregate classification (germline): Pathogenic (1 of 4 stars; one submission).

Submission:

CeGaT Center for Human Genetics Tuebingen
Classification: Pathogenic. Last evaluated: 2026-05-01. Review status: criteria provided, single submitter. Criteria: CeGaT Center For Human Genetics Tuebingen Variant Classification Criteria Version 2. Collection method: clinical testing. Allele origin: germline. Affected: yes. Observed: 1 variant allele.
Comment: HSPG2: PVS1, PM2, PM3:Supporting